The following is an entry in ClinVar:

NM_020708.5(SLC12A5):c.1306A>G (p.Ile436Val)

Gene: SLC12A5 (solute carrier family 12 member 5; plus strand). Cytogenetic location: 20q13.12.
Variant type: single nucleotide variant.
Coding change: c.1306A>G on transcript NM_020708.5 (MANE Select); coding-DNA position 1306, A replaced by G.
Protein change: p.Ile436Val; replaces isoleucine 436 with valine.
Molecular consequence: missense variant.
Genome position (GRCh38, 1-based): chr20:46,043,701, A>G. VCF-style: chr20-46043701-A-G. GRCh37 (hg19) VCF-style: chr20-44672340-A-G.
Other names: c.1375A>G, p.Ile459Val (NM_001134771.2); short protein forms I436V, I459V.
Identifiers: ClinVar variation 542315 (VCV000542315.43), dbSNP rs140326431, ClinGen allele CA9887290.

ClinVar aggregate classification (germline): Uncertain significance. Review status: criteria provided, multiple submitters, no conflicts (2 of 4 stars). 5 submissions from 5 submitters: Uncertain significance (5). Last evaluated 2026-06-05.

Conditions:
Developmental and epileptic encephalopathy, 34 (DEE34). Also called: Early infantile epileptic encephalopathy 34; SLC12A5-Related Epilepsy of Infancy with Migrating Focal Seizures. Identifiers: Orphanet 293181, MedGen C4225257, MONDO:0014718, OMIM 616645.
SLC12A5-related disorder. Also called: SLC12A5-related condition.
Epilepsy, idiopathic generalized, susceptibility to, 14 (EIG14). Identifiers: MedGen C4225245, MONDO:0014734, OMIM 616685.

Allele frequency attached by ClinVar (database versions not stated): gnomAD 0.00001 and 0.00002; TOPMed 0.00004; gnomAD exomes 0.00005; ExAC 0.00006; ESP Exome Variant Server 0.00008.
gnomAD v4.1: 56 of 1,614,070 alleles (0.0035%); highest among the groups gnomAD compares: Non-Finnish European, 0.0043%; no homozygotes.

Submissions (5):

PreventionGenetics, part of Exact Sciences
Classification: Uncertain significance for SLC12A5-related condition. Last evaluated: 2026-06-05. Review status: criteria provided, single submitter. Criteria: ACMG Guidelines, 2015. Collection method: clinical testing. Allele origin: germline.
Comment: The SLC12A5 c.1306A>G variant is predicted to result in the amino acid substitution p.Ile436Val. To our knowledge, this variant has not been reported in the literature. This variant is reported in 0.011% of alleles in individuals of European (non-Finnish) descent in gnomAD. At this time, the clinical significance of this variant is uncertain due to the absence of conclusive functional and genetic evidence.

CeGaT Center for Human Genetics Tuebingen
Classification: Uncertain significance. Last evaluated: 2025-06-01. Review status: criteria provided, single submitter. Criteria: CeGaT Center For Human Genetics Tuebingen Variant Classification Criteria Version 2. Collection method: clinical testing. Allele origin: germline. Affected: yes. Observed: 2 variant alleles.
Comment: SLC12A5: PM2, PP3

Blueprint Genetics
Classification: Uncertain significance. Last evaluated: 2024-07-09. Review status: criteria provided, single submitter. Criteria: ACMG Guidelines, 2015. Collection method: clinical testing. Allele origin: germline.

Labcorp Genetics (formerly Invitae), Labcorp
Classification: Uncertain significance for Developmental and epileptic encephalopathy, 34. Last evaluated: 2021-11-14. Review status: criteria provided, single submitter. Criteria: Invitae Variant Classification Sherloc (09022015). Collection method: clinical testing. Allele origin: germline.
Comment: This sequence change replaces isoleucine, which is neutral and non-polar, with valine, which is neutral and non-polar, at codon 436 of the SLC12A5 protein (p.Ile436Val). This variant is present in population databases (rs140326431, gnomAD 0.01%). This variant has not been reported in the literature in individuals affected with SLC12A5-related conditions. ClinVar contains an entry for this variant (Variation ID: 542315). Algorithms developed to predict the effect of missense changes on protein structure and function are either unavailable or do not agree on the potential impact of this missense change (SIFT: "Tolerated"; PolyPhen-2: "Possibly Damaging"; Align-GVGD: "Class C0"). In summary, the available evidence is currently insufficient to determine the role of this variant in disease. Therefore, it has been classified as a Variant of Uncertain Significance.

Fulgent Genetics
Classification: Uncertain significance for Developmental and epileptic encephalopathy, 34; Epilepsy, idiopathic generalized, susceptibility to, 14. Last evaluated: 2018-10-31. Review status: criteria provided, single submitter. Criteria: ACMG Guidelines, 2015. Collection method: clinical testing. Allele origin: unknown.